The following is an entry in ClinVar:

NM_001003694.2(BRPF1):c.3316C>T (p.Pro1106Ser)

Gene: BRPF1 (bromodomain and PHD finger containing 1; plus strand). Cytogenetic location: 3p25.3.
Variant type: single nucleotide variant.
Coding change: c.3316C>T on transcript NM_001003694.2 (MANE Select); coding-DNA position 3316, C replaced by T.
Protein change: p.Pro1106Ser; replaces proline 1106 with serine.
Molecular consequence: missense variant. On other transcripts: non-coding transcript variant (1).
Genome position (GRCh38, 1-based): chr3:9,745,922, C>T. VCF-style: chr3-9745922-C-T. GRCh37 (hg19) VCF-style: chr3-9787606-C-T.
Other names: c.3013C>T, p.Pro1005Ser (NM_001319049.2); c.3295C>T, p.Pro1099Ser (NM_001319050.2); c.3313C>T, p.Pro1105Ser (NM_001410704.1); c.3298C>T, p.Pro1100Ser (NM_004634.3); short protein forms P1005S, P1099S, P1100S, P1105S, P1106S.
Identifiers: ClinVar variation 2574886 (VCV002574886.2), dbSNP rs2077118005, ClinGen allele CA351705258.

ClinVar aggregate classification (germline): Uncertain significance (1 of 4 stars; one submission).

Submission:

GeneDx
Classification: Uncertain significance. Last evaluated: 2024-06-25. Review status: criteria provided, single submitter. Criteria: GeneDx Variant Classification Process June 2021. Collection method: clinical testing. Allele origin: germline. Affected: yes.
Comment: Not observed at significant frequency in large population cohorts (gnomAD); In silico analysis supports that this missense variant has a deleterious effect on protein structure/function; Has not been previously published as pathogenic or benign to our knowledge